The following is an entry in ClinVar:

ClinVar aggregate classification (germline): Uncertain significance (1 of 4 stars; one submission).

Submission:

GeneDx
Classification: Uncertain significance. Last evaluated: 2019-09-06. Review status: criteria provided, single submitter. Criteria: GeneDx Variant Classification Process June 2021. Collection method: clinical testing. Allele origin: germline. Affected: yes.
Comment: Not observed in large population cohorts (Lek et al., 2016); In silico analysis, which includes protein predictors and evolutionary conservation, supports a deleterious effect; Has not been previously published as pathogenic or benign to our knowledge

NM_000387.6(SLC25A20):c.61G>A (p.Gly21Ser)

Gene: SLC25A20 (solute carrier family 25 member 20; minus strand). Cytogenetic location: 3p21.31.
Variant type: single nucleotide variant.
Coding change: c.61G>A on transcript NM_000387.6 (MANE Select); coding-DNA position 61, G replaced by A.
Protein change: p.Gly21Ser; replaces glycine 21 with serine.
Molecular consequence: missense variant.
Genome position (GRCh38, 1-based): chr3:48,898,734, C>T on the plus strand (G>A on the coding strand, the complement: SLC25A20 is on the minus strand). VCF-style: chr3-48898734-C-T. GRCh37 (hg19) VCF-style: chr3-48936167-C-T.
Other names: p.G21S:GGC>AGC; short protein forms G21S.
Identifiers: ClinVar variation 203942 (VCV000203942.4), dbSNP rs796052042, ClinGen allele CA312987.
Genomic context (GRCh38, chr3:48,898,734, plus strand): 5'-ACCCAGCCTCCCGCACCTTGACCGTGTCCAGAGGGTGACCGACGAACACCAGGCACACGC[C>T]GCCAAAGCCGCCGGCCAGCAGGTTCTTGAGCGGGCTGATGGGTTTTGGCTGGTCGGCCAT-3'
Protein context (NP_000378.1, residues 11-31): LKNLLAGGFG[Gly21Ser]VCLVFVGHPL